The following is an entry in ClinVar:

NM_001129.5(AEBP1):c.1558A>G (p.Ile520Val)

Gene: AEBP1 (AE binding protein 1; plus strand). Cytogenetic location: 7p13.
Variant type: single nucleotide variant.
Coding change: c.1558A>G on transcript NM_001129.5 (MANE Select); coding-DNA position 1558, A replaced by G.
Protein change: p.Ile520Val; replaces isoleucine 520 with valine.
Molecular consequence: missense variant.
Genome position (GRCh38, 1-based): chr7:44,110,985, A>G. VCF-style: chr7-44110985-A-G. GRCh37 (hg19) VCF-style: chr7-44150584-A-G.
Other names: short protein forms I520V.
Identifiers: ClinVar variation 4777273 (VCV004777273.1).
Genomic context (GRCh38, chr7:44,110,985, plus strand): 5'-AACGTGGACAAGGACACACCCGTGCTGAGTGAGCTCCCAGAGCCGGTGGTGGCTCGTTTC[A>G]TCCGCATCTACCCACTCACCTGGAATGGCAGCCTGTGCATGCGCCTGGAGGTGCTGGGGT-3'
Protein context (NP_001120.3, residues 510-530): ELPEPVVARF[Ile520Val]RIYPLTWNGS

ClinVar aggregate classification (germline): Uncertain significance (1 of 4 stars; one submission).

gnomAD v4.1: 16 of 1,613,824 alleles (0.00099%); highest among the groups gnomAD compares: Non-Finnish European, 0.0014%; no homozygotes.

Submission:

Labcorp Genetics (formerly Invitae), Labcorp
Classification: Uncertain significance. Last evaluated: 2026-01-18. Review status: criteria provided, single submitter. Criteria: Invitae Variant Classification Sherloc (09022015). Collection method: clinical testing. Allele origin: germline.
Comment: This sequence change replaces isoleucine, which is neutral and non-polar, with valine, which is neutral and non-polar, at codon 520 of the AEBP1 protein (p.Ile520Val). This variant is present in population databases (no rsID available, gnomAD 0.0009%). This variant has not been reported in the literature in individuals affected with AEBP1-related conditions. An algorithm developed to predict the effect of missense changes on protein structure and function (PolyPhen-2) suggests that this variant is likely to be disruptive. In summary, the available evidence is currently insufficient to determine the role of this variant in disease. Therefore, it has been classified as a Variant of Uncertain Significance.